The following is an entry in ClinVar:

NM_000215.4(JAK3):c.2272C>T (p.Gln758Ter)

Gene: JAK3 (Janus kinase 3; minus strand). Cytogenetic location: 19p13.11.
Variant type: single nucleotide variant.
Coding change: c.2272C>T on transcript NM_000215.4 (MANE Select); coding-DNA position 2272, C replaced by T.
Protein change: p.Gln758Ter; replaces glutamine 758 with a stop codon.
Molecular consequence: nonsense.
Genome position (GRCh38, 1-based): chr19:17,834,649, G>A on the plus strand (C>T on the coding strand, the complement: JAK3 is on the minus strand). VCF-style: chr19-17834649-G-A. GRCh37 (hg19) VCF-style: chr19-17945458-G-A.
Other names: short protein forms Q758*.
Identifiers: ClinVar variation 2704615 (VCV002704615.3), dbSNP rs2147681619, ClinGen allele CA404767411.

ClinVar aggregate classification (germline): Pathogenic (1 of 4 stars; one submission).

Conditions:
T-B+ severe combined immunodeficiency due to JAK3 deficiency. Also called: SCID, autosomal recessive, T-negative/B-positive type; SCID, T CELL-NEGATIVE, B CELL-POSITIVE, NK CELL-NEGATIVE. Identifiers: Orphanet 35078, MedGen C1833275, MONDO:0010938, OMIM 600802.

Allele frequency attached by ClinVar (database versions not stated): gnomAD exomes 0.00001.
gnomAD v4.1: 7 of 1,614,112 alleles (0.00043%); highest among the groups gnomAD compares: Non-Finnish European, 0.00059%; no homozygotes.

Submission:

Labcorp Genetics (formerly Invitae), Labcorp
Classification: Pathogenic for T-B+ severe combined immunodeficiency due to JAK3 deficiency. Last evaluated: 2023-12-21. Review status: criteria provided, single submitter. Criteria: Invitae Variant Classification Sherloc (09022015). Collection method: clinical testing. Allele origin: germline.
Comment: This sequence change creates a premature translational stop signal (p.Gln758*) in the JAK3 gene. It is expected to result in an absent or disrupted protein product. Loss-of-function variants in JAK3 are known to be pathogenic (PMID: 7481768, 11668621). This variant is not present in population databases (gnomAD no frequency). This variant has not been reported in the literature in individuals affected with JAK3-related conditions. For these reasons, this variant has been classified as Pathogenic.

Literature cited by the submitters: PubMed 7481768; PubMed 11668621.